The following is an entry in ClinVar:

NC_000006.12:g.(?_129059774)_(129098425_?)del

Gene: LAMA2 (laminin subunit alpha 2; plus strand). Cytogenetic location: 6q22.33.
Variant type: Deletion.
Identifiers: ClinVar variation 645374 (VCV000645374.9).

ClinVar aggregate classification (germline): Pathogenic (1 of 4 stars; one submission).

Conditions:
LAMA2-related muscular dystrophy (LAMA2-RD). Also called: Laminin alpha 2-related dystrophy. Identifiers: MedGen C5679788, MONDO:0100228.

Submission:

Labcorp Genetics (formerly Invitae), Labcorp
Classification: Pathogenic for LAMA2-related muscular dystrophy. Last evaluated: 2019-07-10. Review status: criteria provided, single submitter. Criteria: Invitae Variant Classification Sherloc (09022015). Collection method: clinical testing. Allele origin: germline.
Comment: For these reasons, this variant has been classified as Pathogenic. Loss-of-function variants in LAMA2 are known to be pathogenic (PMID: 18700894). A similar deletion of exons 3-4 has been reported in individuals affected with congenital muscular dystrophy (PMID:¬†24611677,¬†27858771). This variant is an out-of-frame deletion of the genomic region encompassing exons exons 3-4 of the LAMA2 gene. This is expected to create a premature translational stop signal and result in an absent or disrupted protein product.

Literature cited by the submitters: PubMed 18700894.